The following is an entry in ClinVar:

ClinVar aggregate classification (germline): Pathogenic (1 of 4 stars; one submission).

Conditions:
Mevalonic aciduria (MEVA). Identifiers: Orphanet 29, MedGen C1959626, MONDO:0012481, OMIM 610377.
Hyperimmunoglobulin D with periodic fever (HIDS). Also called: HYPERIMMUNOGLOBULINEMIA D AND PERIODIC FEVER SYNDROME; Hyperimmunoglobulinemia D with periodic fever; Hyperimmunoglobulinemia D. Identifiers: Orphanet 343, MedGen C0398691, MONDO:0009849, OMIM 260920.
Porokeratosis 3, disseminated superficial actinic type (POROK3). Also called: POROKERATOSIS 3, MULTIPLE TYPES; POROKERATOSIS 3, MIBELLI TYPE; POROKERATOSIS, DISSEMINATED SUPERFICIAL ACTINIC, 1. Identifiers: MedGen C1867981, MONDO:0008293, OMIM 175900.

Submission:

Labcorp Genetics (formerly Invitae), Labcorp
Classification: Pathogenic for Mevalonic aciduria; Hyperimmunoglobulin D with periodic fever; Porokeratosis 3, disseminated superficial actinic type. Last evaluated: 2025-12-31. Review status: criteria provided, single submitter. Criteria: Invitae Variant Classification Sherloc (09022015). Collection method: clinical testing. Allele origin: germline.
Comment: This sequence change creates a premature translational stop signal (p.Tyr116Ilefs*71) in the MVK gene. It is expected to result in an absent or disrupted protein product. Loss-of-function variants in MVK are known to be pathogenic (PMID: 16835861, 17105862, 23834120). This variant is not present in population databases (gnomAD no frequency). This variant has not been reported in the literature in individuals affected with MVK-related conditions. ClinVar contains an entry for this variant (Variation ID: 2142782). Algorithms developed to predict the effect of sequence changes on RNA splicing suggest that this variant may disrupt the consensus splice site. For these reasons, this variant has been classified as Pathogenic.

Literature cited by the submitters: PubMed 16835861; PubMed 17105862; PubMed 23834120.

NM_000431.4(MVK):c.345dup (p.Tyr116fs)

Gene: MVK (mevalonate kinase; plus strand). Cytogenetic location: 12q24.11.
Variant type: Duplication.
Coding change: c.345dup on transcript NM_000431.4 (MANE Select); coding-DNA position 345, one base duplicated (A; older notation c.345dupA).
Protein change: p.Tyr116fs; shifts the reading frame from tyrosine 116.
Molecular consequence: frameshift variant.
Genome position (GRCh38, 1-based): chr12:109,579,920, A duplicated. VCF-style (leftmost placement, unchanged base first): chr12-109579919-T-TA. GRCh37 (hg19) VCF-style: chr12-110017724-T-TA.
Other names: c.345dup, p.Tyr116fs (NM_001114185.3, NM_001301182.2); c.345dup, p.Tyr116Ilefs (NM_001414511.1, NM_001414512.1, NM_001414513.1 and 1 more transcripts); c.-238dup (NM_001414515.1); short protein forms Y116fs.
Identifiers: ClinVar variation 2142782 (VCV002142782.4), dbSNP rs2548623624, ClinGen allele CA2580085769.